The following is an entry in ClinVar:

ClinVar aggregate classification (germline): Uncertain significance (1 of 4 stars; one submission).

Conditions:
Intellectual developmental disorder with autism and dysmorphic facies (IDDADF). Identifiers: MedGen C5774206, MONDO:0859281, OMIM 620021.

gnomAD v4.1: 1 of 1,613,164 alleles (0.000062%); highest among the groups gnomAD compares: Non-Finnish European, 0.000085%; no homozygotes.

Submission:

OLLIN Analises Genomicas, OLLIN
Classification: Uncertain significance for Intellectual developmental disorder with autism and dysmorphic facies. Last evaluated: 2026-08-06. Review status: criteria provided, single submitter. Criteria: ACMG Guidelines 2015 PMID 25741868. Collection method: clinical testing. Allele origin: germline.
Comment: This missense variant, located in exon 1 (of 5), is absent from gnomAD and ClinVar and has not been identified in the literature. In silico analysis predicts that this variant has a deleterious effect. According to the currently available evidence, this variant has been classified as uncertain significance (PM2_P, PP3).

NM_173791.5(PDZD8):c.872G>A (p.Arg291Lys)

Gene: PDZD8 (PDZ domain containing 8; minus strand). Cytogenetic location: 10q26.11.
Variant type: single nucleotide variant.
Coding change: c.872G>A on transcript NM_173791.5 (MANE Select); coding-DNA position 872, G replaced by A.
Protein change: p.Arg291Lys; replaces arginine 291 with lysine.
Molecular consequence: missense variant.
Genome position (GRCh38, 1-based): chr10:117,374,356, C>T on the plus strand (G>A on the coding strand, the complement: PDZD8 is on the minus strand). VCF-style: chr10-117374356-C-T. GRCh37 (hg19) VCF-style: chr10-119133867-C-T.
Other names: short protein forms R291K.
Identifiers: ClinVar variation 5002760 (VCV005002760.1).